The following is an entry in ClinVar:

ClinVar aggregate classification (germline): Benign. Review status: criteria provided, multiple submitters, no conflicts (2 of 4 stars). 9 submissions from 9 submitters: Benign (7). 2 of the submissions do not count toward it. Last evaluated 2026-02-04.

Conditions:
Inborn genetic diseases. Identifiers: MedGen C0950123, MeSH D030342.
Lafora disease. Also called: Epilepsy progressive myoclonic 2; Progressive Myoclonus Epilepsy, Lafora Type. Identifiers: Orphanet 501, MedGen C0751783, MONDO:0009697.

Allele frequency attached by ClinVar (database versions not stated): ESP Exome Variant Server 0.10684; gnomAD 0.10897; 1000 Genomes Project 0.11581; 1000 Genomes Project 30x 0.11836; TOPMed 0.12137.

Submissions (9):

Labcorp Genetics (formerly Invitae), Labcorp
Classification: Benign for Lafora disease. Last evaluated: 2026-02-04. Review status: criteria provided, single submitter. Criteria: Invitae Variant Classification Sherloc (09022015). Collection method: clinical testing. Allele origin: germline.

Illumina Laboratory Services, Illumina
Classification: Benign for Myoclonic epilepsy of Lafora 1. Last evaluated: 2018-01-12. Review status: criteria provided, single submitter. Criteria: ICSL Variant Classification Criteria 13 December 2019. Collection method: clinical testing. Allele origin: germline.
Comment: This variant was observed in the ICSL laboratory as part of a predisposition screen in an ostensibly healthy population. It had not been previously curated by ICSL or reported in the Human Gene Mutation Database (HGMD: prior to June 1st, 2018), and was therefore a candidate for classification through an automated scoring system. Utilizing variant allele frequency, disease prevalence and penetrance estimates, and inheritance mode, an automated score was calculated to assess if this variant is too frequent to cause the disease. Based on the score and internal cut-off values, a variant classified as benign is not then subjected to further curation. The score for this variant resulted in a classification of benign for this disease.

Athena Diagnostics
Classification: Benign for Myoclonic epilepsy of Lafora 1. Last evaluated: 2017-04-28. Review status: criteria provided, single submitter. Criteria: Athena Diagnostics Criteria. Collection method: clinical testing. Allele origin: germline.

Eurofins Ntd Llc (ga)
Classification: Benign. Last evaluated: 2016-05-18. Review status: criteria provided, single submitter. Criteria: EGL Classification Definitions 2015. Collection method: clinical testing. Allele origin: germline. Observed: 6 variant alleles, 6 heterozygotes.

Ambry Genetics
Classification: Benign for Inborn genetic diseases. Last evaluated: 2016-03-18. Review status: criteria provided, single submitter. Criteria: Ambry Variant Classification Scheme 2023. Collection method: clinical testing. Allele origin: germline.

GeneDx
Classification: Benign. Last evaluated: 2015-03-03. Review status: criteria provided, single submitter. Criteria: GeneDx Variant Classification Process June 2021. Collection method: clinical testing. Allele origin: germline. Affected: yes.

PreventionGenetics, part of Exact Sciences
Classification: Benign. Review status: criteria provided, single submitter. Criteria: ACMG Guidelines, 2015. Collection method: clinical testing. Allele origin: germline.

Mayo Clinic Laboratories, Mayo Clinic
Classification: Benign. Last evaluated: 2015-12-16. Review status: no assertion criteria provided. Collection method: clinical testing. Allele origin: unknown. Not counted in ClinVar's aggregate classification.

Genetic Services Laboratory, University of Chicago
Classification: Likely benign for AllHighlyPenetrant. Review status: no assertion criteria provided. Collection method: clinical testing. Allele origin: germline. Inheritance: Autosomal recessive inheritance. Not counted in ClinVar's aggregate classification.
Comment: Likely benign based on allele frequency in 1000 Genomes Project or ESP global frequency and its presence in a patient with a rare or unrelated disease phenotype. NOT Sanger confirmed.

Literature cited by the submitters: PubMed 12958597 (cited by Athena Diagnostics).

NM_198586.3(NHLRC1):c.312T>C (p.His104=)

Gene: NHLRC1 (NHL repeat containing E3 ubiquitin protein ligase 1; minus strand). Cytogenetic location: 6p22.3.
Variant type: single nucleotide variant.
Coding change: c.312T>C on transcript NM_198586.3 (MANE Select); coding-DNA position 312, T replaced by C.
Protein change: p.His104=; no amino-acid change (histidine 104 retained).
Molecular consequence: synonymous variant.
Genome position (GRCh38, 1-based): chr6:18,122,295, A>G on the plus strand (T>C on the coding strand, the complement: NHLRC1 is on the minus strand). VCF-style: chr6-18122295-A-G. GRCh37 (hg19) VCF-style: chr6-18122526-A-G.
Identifiers: ClinVar variation 129766 (VCV000129766.30), dbSNP rs115931931, ClinGen allele CA154061.